The following is an entry in ClinVar:

ClinVar aggregate classification (germline): Uncertain significance (1 of 4 stars; one submission).

Submission:

Labcorp Genetics (formerly Invitae), Labcorp
Classification: Uncertain significance. Last evaluated: 2023-12-11. Review status: criteria provided, single submitter. Criteria: Invitae Variant Classification Sherloc (09022015). Collection method: clinical testing. Allele origin: germline.
Comment: This sequence change replaces proline, which is neutral and non-polar, with serine, which is neutral and polar, at codon 155 of the SCO2 protein (p.Pro155Ser). This variant is not present in population databases (gnomAD no frequency). This variant has not been reported in the literature in individuals affected with SCO2-related conditions. ClinVar contains an entry for this variant (Variation ID: 1495416). Advanced modeling of protein sequence and biophysical properties (such as structural, functional, and spatial information, amino acid conservation, physicochemical variation, residue mobility, and thermodynamic stability) performed at Invitae indicates that this missense variant is not expected to disrupt SCO2 protein function with a negative predictive value of 80%. In summary, the available evidence is currently insufficient to determine the role of this variant in disease. Therefore, it has been classified as a Variant of Uncertain Significance.

NM_005138.3(SCO2):c.463C>T (p.Pro155Ser)

Genes: NCAPH2 (non-SMC condensin II complex subunit H2; plus strand), SCO2 (synthesis of cytochrome C oxidase 2; minus strand). Cytogenetic location: 22q13.33.
Variant type: single nucleotide variant.
Coding change: c.463C>T on transcript NM_005138.3 (MANE Select); coding-DNA position 463, C replaced by T.
Protein change: p.Pro155Ser; replaces proline 155 with serine.
Molecular consequence: missense variant. On other transcripts: 3 prime UTR variant (2).
Genome position (GRCh38, 1-based): chr22:50,523,949, G>A on the plus strand (C>T on the coding strand, the complement: SCO2 is on the minus strand). VCF-style: chr22-50523949-G-A. GRCh37 (hg19) VCF-style: chr22-50962378-G-A.
Other names: c.*574G>A (NM_001185011.2, NM_152299.4); c.463C>T, p.Pro155Ser (NM_001169109.2, NM_001169110.1, NM_001169111.2); short protein forms P155S.
Identifiers: ClinVar variation 1495416 (VCV001495416.8), dbSNP rs777864630, ClinGen allele CA412192643.
Genomic context (GRCh38, chr22:50,523,949, plus strand): 5'-CAACGTCGTCCCGCTCGGGGTCCACAGTGATGAAGACAGGCTGCACTGGAGGCAAACCAG[G>A]CTCTGCTTCCAGCTGCCGCACCACCTGCACCAGCTTCTCCAGCTCGTCTGGGCAGATGTC-3'
Protein context (NP_005129.2, residues 145-165): VQVVRQLEAE[Pro155Ser]GLPPVQPVFI